The following is an entry in ClinVar:

ClinVar aggregate classification (germline): Uncertain significance (1 of 4 stars; one submission).

Conditions:
Palatal anomalies-widely spaced teeth-facial dysmorphism-developmental delay syndrome. Also called: Cleft palate, psychomotor retardation, and distinctive facial features. Identifiers: Orphanet 477993, MedGen C4225229, MONDO:0014751, OMIM 616728.

gnomAD v4.1: 1 of 1,613,804 alleles (0.000062%); no homozygotes.

Submission:

Victorian Clinical Genetics Services, Murdoch Childrens Research Institute
Classification: Uncertain significance for Palatal anomalies-widely spaced teeth-facial dysmorphism-developmental delay syndrome. Last evaluated: 2023-12-21. Review status: criteria provided, single submitter. Criteria: ACMG Guidelines, 2015. Collection method: clinical testing. Allele origin: germline. Inheritance: Autosomal dominant inheritance. Affected: yes.
Comment: Based on the classification scheme VCGS_Germline_v1.3.4, this variant is classified as VUS-3A. Following criteria are met: 0105 - The mechanism of disease for this gene is not clearly established. While functional studies on missense variants suggest a loss of function mechanism, dominant negative has not been excluded (PMID: 27094131). (I) 0107 - This gene is associated with autosomal dominant disease. (I) 0200 - Variant is predicted to result in a missense amino acid change from phenylalanine to leucine. (I) 0251 - This variant is heterozygous. (I) 0301 - Variant is absent from gnomAD (both v2 and v3). (SP) 0501 - Missense variant consistently predicted to be damaging by multiple in silico tools or highly conserved with a major amino acid change. (SP) 0600 - Variant is located in the annotated amino oxidase domain (DECIPHER). (I) 0705 - No comparable missense variants have previous evidence for pathogenicity. (I) 0807 - This variant has no previous evidence of pathogenicity. (I) 0905 - No published segregation evidence has been identified for this variant. (I) 1007 - No published functional evidence has been identified for this variant. (I) 1208 - Inheritance information for this variant is not currently available in this individual. (I) Legend: (SP) - Supporting pathogenic, (I) - Information, (SB) - Supporting benign

Literature cited by the submitters: PubMed 27094131.

NM_001009999.3(KDM1A):c.2106C>G (p.Phe702Leu)

Gene: KDM1A (lysine demethylase 1A; plus strand). Cytogenetic location: 1p36.12.
Variant type: single nucleotide variant.
Coding change: c.2106C>G on transcript NM_001009999.3 (MANE Select); coding-DNA position 2106, C replaced by G.
Protein change: p.Phe702Leu; replaces phenylalanine 702 with leucine.
Molecular consequence: missense variant.
Genome position (GRCh38, 1-based): chr1:23,079,603, C>G. VCF-style: chr1-23079603-C-G. GRCh37 (hg19) VCF-style: chr1-23406096-C-G.
Other names: c.2052C>G, p.Phe684Leu (NM_001363654.2); c.2112C>G, p.Phe704Leu (NM_001410762.1); c.2034C>G, p.Phe678Leu (NM_001410763.1, NM_015013.4); short protein forms F678L, F684L, F702L, F704L.
Identifiers: ClinVar variation 3254674 (VCV003254674.1), dbSNP rs778695635.
Genomic context (GRCh38, chr1:23,079,603, plus strand): 5'-CTTATGGTAGGTGGTGTTGTGTTTTGATCGGGTGTTCTGGGATCCAAGTGTCAATTTGTT[C>G]GGGCATGTTGGCAGTACGACTGCCAGCAGGGGTGAGCTCTTCCTCTTCTGGAACCTCTAT-3'
Protein context (NP_001009999.1, residues 692-712): RVFWDPSVNL[Phe702Leu]GHVGSTTASR